The following is an entry in ClinVar:

ClinVar aggregate classification (germline): Conflicting classifications of pathogenicity. Review status: criteria provided, conflicting classifications (1 of 4 stars). 7 submissions from 7 submitters: Uncertain significance (6); Benign (1). Last evaluated 2025-09-19.

Conditions:
Breast-ovarian cancer, familial, susceptibility to, 3. Also called: RAD51C-Related Breast/Ovarian Cancer. Identifiers: Orphanet 145, MedGen C3150659, MONDO:0013253, OMIM 613399.
Fanconi anemia complementation group O. Also called: RAD51C-Related Fanconi Anemia. Identifiers: Orphanet 84, MedGen C3150653, MONDO:0013248, OMIM 613390.
Hereditary cancer-predisposing syndrome. Also called: Hereditary neoplastic syndrome; Neoplastic Syndromes, Hereditary; Tumor predisposition; Hereditary Cancer Syndrome. Identifiers: Orphanet 140162, MedGen C0027672, MeSH D009386, MONDO:0015356.
Breast-ovarian cancer, familial, susceptibility to, 2 (BROVCA2). Also called: BRCA2 Hereditary Breast and Ovarian Cancer. Identifiers: Orphanet 145, MedGen C2675520, MONDO:0012933, OMIM 612555. Disease mechanism: loss of function.

Allele frequency attached by ClinVar (database versions not stated): gnomAD exomes below 0.00001; TOPMed below 0.00001; ExAC 0.00001.

Submissions (7):

Labcorp Genetics (formerly Invitae), Labcorp
Classification: Uncertain significance for Fanconi anemia complementation group O. Last evaluated: 2025-09-19. Review status: criteria provided, single submitter. Criteria: Invitae Variant Classification Sherloc (09022015). Collection method: clinical testing. Allele origin: germline.
Comment: This sequence change replaces leucine, which is neutral and non-polar, with phenylalanine, which is neutral and non-polar, at codon 230 of the RAD51C protein (p.Leu230Phe). This variant is present in population databases (rs751528808, gnomAD 0.003%). This variant has not been reported in the literature in individuals affected with RAD51C-related conditions. ClinVar contains an entry for this variant (Variation ID: 480506). Invitae Evidence Modeling of protein sequence and biophysical properties (such as structural, functional, and spatial information, amino acid conservation, physicochemical variation, residue mobility, and thermodynamic stability) indicates that this missense variant is not expected to disrupt RAD51C protein function with a negative predictive value of 80%. In summary, the available evidence is currently insufficient to determine the role of this variant in disease. Therefore, it has been classified as a Variant of Uncertain Significance.

Quest Diagnostics Nichols Institute San Juan Capistrano
Classification: Uncertain significance. Last evaluated: 2025-08-14. Review status: criteria provided, single submitter. Criteria: Quest Diagnostics criteria. Collection method: clinical testing. Allele origin: unknown.
Comment: The RAD51C c.688C>T (p.Leu230Phe) variant has been reported in the published literature in an individual with colorectal cancer (PMID: 40649708 (2025)). The frequency of this variant in the general population (Genome Aggregation Database) is uninformative in the assessment of its pathogenicity. Analysis of this variant using bioinformatics tools for the prediction of the effect of amino acid changes on protein structure and function yielded predictions that this variant is damaging. Based on the available information, we are unable to determine the clinical significance of this variant.

GeneDx
Classification: Uncertain significance. Last evaluated: 2025-07-24. Review status: criteria provided, single submitter. Criteria: GeneDx Variant Classification Process June 2021. Collection method: clinical testing. Allele origin: germline. Affected: yes.
Comment: Not observed at significant frequency in large population cohorts (gnomAD); In silico analysis supports that this missense variant has a deleterious effect on protein structure/function; Has not been previously published as pathogenic or benign to our knowledge; This variant is associated with the following publications: (PMID: 14704354)

Dipartimento Di Medicina Di Precisione, Università Degli Studi Della Campania Luigi Vanvitelli
Classification: Benign for Breast-ovarian cancer, familial, susceptibility to, 2. Last evaluated: 2025-07-16. Review status: criteria provided, single submitter. Criteria: ACMG Guidelines, 2015. Collection method: clinical testing. Allele origin: germline. Affected: yes. Observed: 1 heterozygote.
Comment: This missense variant c.688C>T (p.Leu230Phe) in the RAD51C gene affects exon 4 and results in the substitution of leucine with phenylalanine at codon 230. The affected residue is evolutionarily conserved and is located in a central region of the protein, potentially important for interactions with other RAD51 family members. In silico prediction tools (e.g., BayesDel, REVEL) suggest a benign or tolerated impact on protein function. Based on these findings, this variant is interpreted as likely benign.

Ambry Genetics
Classification: Uncertain significance for Hereditary cancer-predisposing syndrome. Last evaluated: 2025-04-06. Review status: criteria provided, single submitter. Criteria: Ambry Variant Classification Scheme 2023. Collection method: clinical testing. Allele origin: germline.
Comment: The p.L230F variant (also known as c.688C>T), located in coding exon 4 of the RAD51C gene, results from a C to T substitution at nucleotide position 688. The leucine at codon 230 is replaced by phenylalanine, an amino acid with highly similar properties. This amino acid position is well conserved in available vertebrate species. In addition, this alteration is predicted to be tolerated by in silico analysis. Since supporting evidence is limited at this time, the clinical significance of this alteration remains unclear.

Fulgent Genetics
Classification: Uncertain significance for Fanconi anemia complementation group O; Breast-ovarian cancer, familial, susceptibility to, 3. Last evaluated: 2024-05-22. Review status: criteria provided, single submitter. Criteria: ACMG Guidelines, 2015. Collection method: clinical testing. Allele origin: germline.

Color Diagnostics, LLC DBA Color Health
Classification: Uncertain significance for Hereditary cancer-predisposing syndrome. Last evaluated: 2019-03-29. Review status: criteria provided, single submitter. Criteria: ACMG Guidelines, 2015. Collection method: clinical testing. Allele origin: germline.

Literature cited by the submitters: PubMed 40649708 (cited by Quest Diagnostics Nichols Institute San Juan Capistrano and Dipartimento Di Medicina Di Precisione, Università Degli Studi Della Campania Luigi Vanvitelli).

NM_058216.3(RAD51C):c.688C>T (p.Leu230Phe)

Genes: RAD51C (RAD51 paralog C; plus strand), LOC129390903 (MPRA-validated peak2919 silencer; plus strand). Cytogenetic location: 17q22.
Variant type: single nucleotide variant.
Coding change: c.688C>T on transcript NM_058216.3 (MANE Select); coding-DNA position 688, C replaced by T.
Protein change: p.Leu230Phe; replaces leucine 230 with phenylalanine.
Molecular consequence: missense variant. On other transcripts: non-coding transcript variant (1).
Genome position (GRCh38, 1-based): chr17:58,703,312, C>T. VCF-style: chr17-58703312-C-T. GRCh37 (hg19) VCF-style: chr17-56780673-C-T.
Other names: p.Leu230Phe; short protein forms L230F.
Identifiers: ClinVar variation 480506 (VCV000480506.23), dbSNP rs751528808, ClinGen allele CA8677292.